The following is an entry in ClinVar:

ClinVar aggregate classification (germline): Uncertain significance. Review status: criteria provided, multiple submitters, no conflicts (2 of 4 stars). 2 submissions from 2 submitters: Uncertain significance (2). Last evaluated 2025-09-22.

gnomAD v4.1: 72 of 1,613,434 alleles (0.0045%); highest among the groups gnomAD compares: South Asian, 0.0088%; no homozygotes.

Submissions (2):

Ambry Genetics
Classification: Uncertain significance. Last evaluated: 2025-09-22. Review status: criteria provided, single submitter. Criteria: Ambry Variant Classification Scheme 2023. Collection method: clinical testing. Allele origin: germline.

CeGaT Center for Human Genetics Tuebingen
Classification: Uncertain significance. Last evaluated: 2025-02-01. Review status: criteria provided, single submitter. Criteria: CeGaT Center For Human Genetics Tuebingen Variant Classification Criteria Version 2. Collection method: clinical testing. Allele origin: germline. Affected: yes. Observed: 1 variant allele.
Comment: ZP2: PM2, BP4

NM_001376232.1(ZP2):c.1097T>C (p.Ile366Thr)

Gene: ZP2 (zona pellucida glycoprotein 2; minus strand). Cytogenetic location: 16p12.2.
Variant type: single nucleotide variant.
Coding change: c.1097T>C on transcript NM_001376232.1 (MANE Select); coding-DNA position 1097, T replaced by C.
Protein change: p.Ile366Thr; replaces isoleucine 366 with threonine.
Molecular consequence: missense variant. On other transcripts: non-coding transcript variant (1).
Genome position (GRCh38, 1-based): chr16:21,203,127, A>G on the plus strand (T>C on the coding strand, the complement: ZP2 is on the minus strand). VCF-style: chr16-21203127-A-G. GRCh37 (hg19) VCF-style: chr16-21214448-A-G.
Other names: c.1097T>C, p.Ile366Thr (NM_001376231.1, NM_001376233.1, NM_003460.2); c.1097T>C (NM_003460.1); short protein forms I366T.
Identifiers: ClinVar variation 3770635 (VCV003770635.13).